The following is an entry in ClinVar:

ClinVar aggregate classification (germline): Uncertain significance. Review status: criteria provided, multiple submitters, no conflicts (2 of 4 stars). 3 submissions from 3 submitters: Uncertain significance (3). Last evaluated 2025-03-03.

Conditions:
Charcot-Marie-Tooth disease type 2R. Also called: CHARCOT-MARIE-TOOTH DISEASE, AXONAL, AUTOSOMAL RECESSIVE, TYPE 2R; Charcot-Marie-Tooth disease, axonal, type 2R; CHARCOT-MARIE-TOOTH NEUROPATHY, TYPE 2R. Identifiers: Orphanet 397968, MedGen C3809655, MONDO:0014208, OMIM 615490.

Allele frequency attached by ClinVar (database versions not stated): ExAC 0.00002; gnomAD exomes 0.00004; TOPMed 0.00004; gnomAD 0.00006.
gnomAD v4.1: 92 of 1,614,072 alleles (0.0057%); highest among the groups gnomAD compares: Non-Finnish European, 0.007%; 1 homozygote.

Submissions (3):

GeneDx
Classification: Uncertain significance. Last evaluated: 2025-03-03. Review status: criteria provided, single submitter. Criteria: GeneDx Variant Classification Process June 2021. Collection method: clinical testing. Allele origin: germline. Affected: yes.
Comment: Not observed at significant frequency in large population cohorts (gnomAD); In silico analysis indicates that this missense variant does not alter protein structure/function; Has not been previously published as pathogenic or benign to our knowledge

Labcorp Genetics (formerly Invitae), Labcorp
Classification: Uncertain significance for Charcot-Marie-Tooth disease type 2R. Last evaluated: 2025-02-16. Review status: criteria provided, single submitter. Criteria: Invitae Variant Classification Sherloc (09022015). Collection method: clinical testing. Allele origin: germline.
Comment: This sequence change replaces valine, which is neutral and non-polar, with methionine, which is neutral and non-polar, at codon 89 of the TRIM2 protein (p.Val89Met). This variant is present in population databases (rs763365056, gnomAD 0.009%). This variant has not been reported in the literature in individuals affected with TRIM2-related conditions. ClinVar contains an entry for this variant (Variation ID: 618441). An algorithm developed to predict the effect of missense changes on protein structure and function (PolyPhen-2) suggests that this variant is likely to be disruptive. In summary, the available evidence is currently insufficient to determine the role of this variant in disease. Therefore, it has been classified as a Variant of Uncertain Significance.

ARUP Laboratories, Molecular Genetics and Genomics, ARUP Laboratories
Classification: Uncertain significance. Last evaluated: 2017-11-21. Review status: criteria provided, single submitter. Criteria: ARUP Molecular Germline Variant Investigation Process. Collection method: clinical testing. Allele origin: germline.
Comment: The p.Val89Met variant (rs763365056) has not been reported in the medical literature, gene specific variation databases, nor has it been previously identified by our laboratory. This variant is listed in the Genome Aggregation Database (gnomAD) with an overall population frequency of 0.004 percent (identified on 11 out of 277,236 chromosomes). The valine at position 89 is highly conserved and computational analyses of the effects of the p.Val89Met variant on protein structure and function provide conflicting results (SIFT: tolerated, MutationTaster: disease causing, PolyPhen-2: probably damaging). Altogether, there is not enough evidence to classify the p.Val89Met variant with certainty.

NM_015271.5(TRIM2):c.346G>A (p.Val116Met)

Gene: TRIM2 (tripartite motif containing 2; plus strand). Cytogenetic location: 4q31.3.
Variant type: single nucleotide variant.
Coding change: c.346G>A on transcript NM_015271.5 (MANE Select); coding-DNA position 346, G replaced by A.
Protein change: p.Val116Met; replaces valine 116 with methionine.
Molecular consequence: missense variant. On other transcripts: 5 prime UTR variant (1).
Genome position (GRCh38, 1-based): chr4:153,276,023, G>A. VCF-style: chr4-153276023-G-A. GRCh37 (hg19) VCF-style: chr4-154197175-G-A.
Other names: c.265G>A, p.Val89Met (NM_001130067.2, NM_001351056.2, NM_001375512.1 and 5 more transcripts); c.346G>A, p.Val116Met (NM_001302692.2, NM_001375488.1, NM_001375490.1 and 1 more transcripts); c.343G>A, p.Val115Met (NM_001302693.2, NM_001375489.1, NM_001375491.1 and 1 more transcripts); c.319G>A, p.Val107Met (NM_001302694.2, NM_001351054.2); c.316G>A, p.Val106Met (NM_001351055.2); c.-212G>A (NM_001351057.2); c.7G>A, p.Val3Met (NM_001375522.1, NM_001375523.1, NM_001375525.1); short protein forms V89M, V107M, V115M, V116M, V106M, V3M.
Identifiers: ClinVar variation 618441 (VCV000618441.21), dbSNP rs763365056, ClinGen allele CA3108507.